The following is an entry in ClinVar:

ClinVar aggregate classification (germline): Uncertain significance (1 of 4 stars; one submission).

Submission:

Dasa
Classification: Uncertain significance. Last evaluated: 2026-07-20. Review status: criteria provided, single submitter. Criteria: DASA Assertion Criteria. Collection method: clinical testing. Allele origin: germline.
Comment: NM_006363.6(SEC23B):c.1532A>T (p.Gln511Leu) is a missense variant that results in the substitution of glutamine with leucine. This variant is rare in population databases. The currently available literature and clinical evidence are not sufficient to establish a definitive association between this variant and the reported condition. Therefore, this variant is classified as a variant of uncertain significance.

NM_006363.6(SEC23B):c.1532A>T (p.Gln511Leu)

Gene: SEC23B (SEC23 homolog B, COPII component; plus strand). Cytogenetic location: 20p11.23.
Variant type: single nucleotide variant.
Coding change: c.1532A>T on transcript NM_006363.6 (MANE Select); coding-DNA position 1532, A replaced by T.
Protein change: p.Gln511Leu; replaces glutamine 511 with leucine.
Molecular consequence: missense variant.
Genome position (GRCh38, 1-based): chr20:18,543,039, A>T. VCF-style: chr20-18543039-A-T. GRCh37 (hg19) VCF-style: chr20-18523683-A-T.
Other names: c.1532A>T, p.Gln511Leu (NM_001172745.3, NM_032985.6, NM_032986.5); c.1478A>T, p.Gln493Leu (NM_001172746.3); short protein forms Q493L, Q511L.
Identifiers: ClinVar variation 5020173 (VCV005020173.1).